The following is an entry in ClinVar:

NM_001375567.1(FOCAD):c.381A>G (p.Ile127Met)

Gene: FOCAD (focadhesin; plus strand). Cytogenetic location: 9p21.3.
Variant type: single nucleotide variant.
Coding change: c.381A>G on transcript NM_001375567.1 (MANE Select); coding-DNA position 381, A replaced by G.
Protein change: p.Ile127Met; replaces isoleucine 127 with methionine.
Molecular consequence: missense variant. On other transcripts: intron variant (1).
Genome position (GRCh38, 1-based): chr9:20,740,329, A>G. VCF-style: chr9-20740329-A-G. GRCh37 (hg19) VCF-style: chr9-20740328-A-G.
Other names: c.381A>G, p.Ile127Met (NM_001375568.1, NM_017794.5); c.288-17761A>G (NM_001375570.1); short protein forms I127M.
Identifiers: ClinVar variation 4718951 (VCV004718951.1).

ClinVar aggregate classification (germline): Uncertain significance (1 of 4 stars; one submission).

gnomAD v4.1: 17 of 1,579,720 alleles (0.0011%); highest among the groups gnomAD compares: Non-Finnish European, 0.0014%; no homozygotes.

Submission:

Labcorp Genetics (formerly Invitae), Labcorp
Classification: Uncertain significance. Last evaluated: 2025-12-09. Review status: criteria provided, single submitter. Criteria: Invitae Variant Classification Sherloc (09022015). Collection method: clinical testing. Allele origin: germline.
Comment: This sequence change replaces isoleucine, which is neutral and non-polar, with methionine, which is neutral and non-polar, at codon 127 of the FOCAD protein (p.Ile127Met). This variant is not present in population databases (gnomAD no frequency). This variant has not been reported in the literature in individuals affected with FOCAD-related conditions. Experimental studies and prediction algorithms are not available or were not evaluated, and the functional significance of this variant is currently unknown. In summary, the available evidence is currently insufficient to determine the role of this variant in disease. Therefore, it has been classified as a Variant of Uncertain Significance.